The following is an entry in ClinVar:

NM_000535.7(PMS2):c.1537A>T (p.Ser513Cys)

Gene: PMS2 (PMS1 homolog 2, mismatch repair system component; minus strand). Cytogenetic location: 7p22.1.
Variant type: single nucleotide variant.
Coding change: c.1537A>T on transcript NM_000535.7 (MANE Select); coding-DNA position 1537, A replaced by T.
Protein change: p.Ser513Cys; replaces serine 513 with cysteine.
Molecular consequence: missense variant. On other transcripts: non-coding transcript variant (1).
Genome position (GRCh38, 1-based): chr7:5,987,228, T>A on the plus strand (A>T on the coding strand, the complement: PMS2 is on the minus strand). VCF-style: chr7-5987228-T-A. GRCh37 (hg19) VCF-style: chr7-6026859-T-A.
Other names: c.1132A>T, p.Ser378Cys (NM_001322003.2, NM_001322004.2, NM_001322005.2 and 1 more transcripts); c.1381A>T, p.Ser461Cys (NM_001322006.2); c.1219A>T, p.Ser407Cys (NM_001322007.2, NM_001322008.2); c.976A>T, p.Ser326Cys (NM_001322010.2); c.604A>T, p.Ser202Cys (NM_001322011.2, NM_001322012.2); c.964A>T, p.Ser322Cys (NM_001322013.2); c.1537A>T, p.Ser513Cys (NM_001322014.2); c.1228A>T, p.Ser410Cys (NM_001322015.2); and 1 more; short protein forms S202C, S326C, S378C, S322C, S407C, S410C, S461C, S513C.
Identifiers: ClinVar variation 1393971 (VCV001393971.8), dbSNP rs1583318731, ClinGen allele CA366741640.

ClinVar aggregate classification (germline): Uncertain significance. Review status: criteria provided, multiple submitters, no conflicts (2 of 4 stars). 3 submissions from 3 submitters: Uncertain significance (3). Last evaluated 2026-07-07.

Conditions:
Hereditary nonpolyposis colorectal neoplasms. Identifiers: MedGen C0009405, MeSH D003123.
Hereditary cancer-predisposing syndrome. Also called: Hereditary Cancer Syndrome; Neoplastic Syndromes, Hereditary; Hereditary neoplastic syndrome; Tumor predisposition. Identifiers: Orphanet 140162, MedGen C0027672, MeSH D009386, MONDO:0015356.

Submissions (3):

Ambry Genetics
Classification: Uncertain significance for Hereditary cancer-predisposing syndrome. Last evaluated: 2026-07-07. Review status: criteria provided, single submitter. Criteria: Ambry Variant Classification Scheme 2023. Collection method: clinical testing. Allele origin: germline.
Comment: The p.S513C variant (also known as c.1537A>T), located in coding exon 11 of the PMS2 gene, results from an A to T substitution at nucleotide position 1537. The serine at codon 513 is replaced by cysteine, an amino acid with dissimilar properties. This amino acid position is conserved. In addition, this alteration is predicted to be tolerated by in silico analysis. Based on the available evidence, the clinical significance of this variant remains unclear.

Institute for Biomarker Research, Medical Diagnostic Laboratories, L.L.C.
Classification: Uncertain significance for Hereditary cancer-predisposing syndrome. Last evaluated: 2024-05-28. Review status: criteria provided, single submitter. Criteria: ACMG Guidelines, 2015. Collection method: clinical testing. Allele origin: germline.

Labcorp Genetics (formerly Invitae), Labcorp
Classification: Uncertain significance for Hereditary nonpolyposis colorectal neoplasms. Last evaluated: 2022-02-18. Review status: criteria provided, single submitter. Criteria: Invitae Variant Classification Sherloc (09022015). Collection method: clinical testing. Allele origin: germline.
Comment: Advanced modeling of protein sequence and biophysical properties (such as structural, functional, and spatial information, amino acid conservation, physicochemical variation, residue mobility, and thermodynamic stability) performed at Invitae indicates that this missense variant is not expected to disrupt PMS2 protein function. This variant has not been reported in the literature in individuals affected with PMS2-related conditions. This variant is not present in population databases (gnomAD no frequency). This sequence change replaces serine, which is neutral and polar, with cysteine, which is neutral and slightly polar, at codon 513 of the PMS2 protein (p.Ser513Cys). In summary, the available evidence is currently insufficient to determine the role of this variant in disease. Therefore, it has been classified as a Variant of Uncertain Significance.